The following continues an entry in ClinVar:

NM_018122.5(DARS2):c.397-6T>G

Gene: DARS2. ClinVar aggregate classification (germline): Benign/Likely benign. Benign (5); Likely benign (1).

Submissions 30 to 60 of 60:

Dr. Peter K. Rogan Lab, Western University
No classification provided (evidence only). Condition: Acute myeloid leukemia. Review status: no classification provided. Collection method: in vitro. Allele origin: not applicable. Functional consequence: retained intron. Not counted in ClinVar's aggregate classification.

Dr. Peter K. Rogan Lab, Western University
No classification provided (evidence only). Condition: Acute myeloid leukemia. Review status: no classification provided. Collection method: in vitro. Allele origin: not applicable. Functional consequence: retained intron. Not counted in ClinVar's aggregate classification.

Dr. Peter K. Rogan Lab, Western University
No classification provided (evidence only). Condition: Acute myeloid leukemia. Review status: no classification provided. Collection method: in vitro. Allele origin: not applicable. Functional consequence: retained intron. Not counted in ClinVar's aggregate classification.

Dr. Peter K. Rogan Lab, Western University
No classification provided (evidence only). Condition: Acute myeloid leukemia. Review status: no classification provided. Collection method: in vitro. Allele origin: not applicable. Functional consequence: retained intron. Not counted in ClinVar's aggregate classification.

Dr. Peter K. Rogan Lab, Western University
No classification provided (evidence only). Condition: Uterine corpus endometrial carcinoma. Review status: no classification provided. Collection method: in vitro. Allele origin: not applicable. Functional consequence: skipped exon. Not counted in ClinVar's aggregate classification.

Dr. Peter K. Rogan Lab, Western University
No classification provided (evidence only). Condition: Uterine corpus endometrial carcinoma. Review status: no classification provided. Collection method: in vitro. Allele origin: not applicable. Functional consequence: retained intron. Not counted in ClinVar's aggregate classification.

Dr. Peter K. Rogan Lab, Western University
No classification provided (evidence only). Condition: Cervical cancer. Review status: no classification provided. Collection method: in vitro. Allele origin: not applicable. Functional consequence: retained intron. Not counted in ClinVar's aggregate classification.

Dr. Peter K. Rogan Lab, Western University
No classification provided (evidence only). Condition: Cervical cancer. Review status: no classification provided. Collection method: in vitro. Allele origin: not applicable. Functional consequence: skipped exon. Not counted in ClinVar's aggregate classification.

Dr. Peter K. Rogan Lab, Western University
No classification provided (evidence only). Condition: Cervical cancer. Review status: no classification provided. Collection method: in vitro. Allele origin: not applicable. Functional consequence: skipped exon, retained intron. Not counted in ClinVar's aggregate classification.

Dr. Peter K. Rogan Lab, Western University
No classification provided (evidence only). Condition: Cervical cancer. Review status: no classification provided. Collection method: in vitro. Allele origin: not applicable. Functional consequence: retained intron. Not counted in ClinVar's aggregate classification.

Dr. Peter K. Rogan Lab, Western University
No classification provided (evidence only). Condition: Cervical cancer. Review status: no classification provided. Collection method: in vitro. Allele origin: not applicable. Functional consequence: skipped exon, retained intron. Not counted in ClinVar's aggregate classification.

Dr. Peter K. Rogan Lab, Western University
No classification provided (evidence only). Condition: Cervical cancer. Review status: no classification provided. Collection method: in vitro. Allele origin: not applicable. Functional consequence: retained intron. Not counted in ClinVar's aggregate classification.

Dr. Peter K. Rogan Lab, Western University
No classification provided (evidence only). Condition: Cervical cancer. Review status: no classification provided. Collection method: in vitro. Allele origin: not applicable. Functional consequence: skipped exon. Not counted in ClinVar's aggregate classification.

Dr. Peter K. Rogan Lab, Western University
No classification provided (evidence only). Condition: Cervical cancer. Review status: no classification provided. Collection method: in vitro. Allele origin: not applicable. Functional consequence: retained intron. Not counted in ClinVar's aggregate classification.

Dr. Peter K. Rogan Lab, Western University
No classification provided (evidence only). Condition: Cervical cancer. Review status: no classification provided. Collection method: in vitro. Allele origin: not applicable. Functional consequence: retained intron. Not counted in ClinVar's aggregate classification.

Dr. Peter K. Rogan Lab, Western University
No classification provided (evidence only). Condition: Cervical cancer. Review status: no classification provided. Collection method: in vitro. Allele origin: not applicable. Functional consequence: retained intron. Not counted in ClinVar's aggregate classification.

Dr. Peter K. Rogan Lab, Western University
No classification provided (evidence only). Condition: Sarcoma. Review status: no classification provided. Collection method: in vitro. Allele origin: not applicable. Functional consequence: retained intron. Not counted in ClinVar's aggregate classification.

Dr. Peter K. Rogan Lab, Western University
No classification provided (evidence only). Condition: Sarcoma. Review status: no classification provided. Collection method: in vitro. Allele origin: not applicable. Functional consequence: retained intron. Not counted in ClinVar's aggregate classification.

Dr. Peter K. Rogan Lab, Western University
No classification provided (evidence only). Condition: Thymoma. Review status: no classification provided. Collection method: in vitro. Allele origin: not applicable. Functional consequence: retained intron. Not counted in ClinVar's aggregate classification.

Dr. Peter K. Rogan Lab, Western University
No classification provided (evidence only). Condition: Thymoma. Review status: no classification provided. Collection method: in vitro. Allele origin: not applicable. Functional consequence: retained intron. Not counted in ClinVar's aggregate classification.

Dr. Peter K. Rogan Lab, Western University
No classification provided (evidence only). Condition: Ovarian serous cystadenocarcinoma. Review status: no classification provided. Collection method: in vitro. Allele origin: not applicable. Functional consequence: retained intron. Not counted in ClinVar's aggregate classification.

Dr. Peter K. Rogan Lab, Western University
No classification provided (evidence only). Condition: Ovarian serous cystadenocarcinoma. Review status: no classification provided. Collection method: in vitro. Allele origin: not applicable. Functional consequence: retained intron. Not counted in ClinVar's aggregate classification.

Dr. Peter K. Rogan Lab, Western University
No classification provided (evidence only). Condition: Ovarian serous cystadenocarcinoma. Review status: no classification provided. Collection method: in vitro. Allele origin: not applicable. Functional consequence: retained intron. Not counted in ClinVar's aggregate classification.

Dr. Peter K. Rogan Lab, Western University
No classification provided (evidence only). Condition: Gastric cancer. Review status: no classification provided. Collection method: in vitro. Allele origin: not applicable. Functional consequence: retained intron. Not counted in ClinVar's aggregate classification.

Dr. Peter K. Rogan Lab, Western University
No classification provided (evidence only). Condition: Gastric cancer. Review status: no classification provided. Collection method: in vitro. Allele origin: not applicable. Functional consequence: retained intron. Not counted in ClinVar's aggregate classification.

Dr. Peter K. Rogan Lab, Western University
No classification provided (evidence only). Condition: Uterine carcinosarcoma. Review status: no classification provided. Collection method: in vitro. Allele origin: not applicable. Functional consequence: retained intron. Not counted in ClinVar's aggregate classification.

Dr. Peter K. Rogan Lab, Western University
No classification provided (evidence only). Condition: Uveal melanoma. Review status: no classification provided. Collection method: in vitro. Allele origin: not applicable. Functional consequence: retained intron. Not counted in ClinVar's aggregate classification.

Dr. Peter K. Rogan Lab, Western University
No classification provided (evidence only). Condition: Malignant tumor of esophagus. Review status: no classification provided. Collection method: in vitro. Allele origin: not applicable. Functional consequence: skipped exon, retained intron. Not counted in ClinVar's aggregate classification.

Dr. Peter K. Rogan Lab, Western University
No classification provided (evidence only). Condition: Malignant tumor of esophagus. Review status: no classification provided. Collection method: in vitro. Allele origin: not applicable. Functional consequence: skipped exon, retained intron. Not counted in ClinVar's aggregate classification.

Dr. Peter K. Rogan Lab, Western University
No classification provided (evidence only). Condition: Malignant tumor of esophagus. Review status: no classification provided. Collection method: in vitro. Allele origin: not applicable. Functional consequence: retained intron. Not counted in ClinVar's aggregate classification.

Dr. Peter K. Rogan Lab, Western University
No classification provided (evidence only). Condition: Malignant tumor of esophagus. Review status: no classification provided. Collection method: in vitro. Allele origin: not applicable. Functional consequence: retained intron. Not counted in ClinVar's aggregate classification.